The following is an entry in ClinVar:

ClinVar aggregate classification (germline): Uncertain significance (1 of 4 stars; one submission).

Conditions:
POLD1-related polyposis and colorectal cancer syndrome (CRCS10). Also called: COLORECTAL CANCER, SUSCEPTIBILITY TO, ON CHROMOSOME 19q; Colorectal cancer 10; Colorectal cancer, susceptibility to, 10. Identifiers: Orphanet 220460, MedGen C2675481, MONDO:0012953, OMIM 612591.

Submission:

Labcorp Genetics (formerly Invitae), Labcorp
Classification: Uncertain significance for POLD1-related polyposis and colorectal cancer syndrome. Last evaluated: 2025-03-26. Review status: criteria provided, single submitter. Criteria: Invitae Variant Classification Sherloc (09022015). Collection method: clinical testing. Allele origin: germline.
Comment: This sequence change replaces proline, which is neutral and non-polar, with arginine, which is basic and polar, at codon 912 of the POLD1 protein (p.Pro912Arg). This variant is not present in population databases (gnomAD no frequency). This variant has not been reported in the literature in individuals affected with POLD1-related conditions. Invitae Evidence Modeling of protein sequence and biophysical properties (such as structural, functional, and spatial information, amino acid conservation, physicochemical variation, residue mobility, and thermodynamic stability) indicates that this missense variant is not expected to disrupt POLD1 protein function with a negative predictive value of 80%. In summary, the available evidence is currently insufficient to determine the role of this variant in disease. Therefore, it has been classified as a Variant of Uncertain Significance.

NM_002691.4(POLD1):c.2735C>G (p.Pro912Arg)

Gene: POLD1 (DNA polymerase delta 1, catalytic subunit; plus strand). Cytogenetic location: 19q13.33.
Variant type: single nucleotide variant.
Coding change: c.2735C>G on transcript NM_002691.4 (MANE Select); coding-DNA position 2735, C replaced by G.
Protein change: p.Pro912Arg; replaces proline 912 with arginine.
Molecular consequence: missense variant.
Genome position (GRCh38, 1-based): chr19:50,415,741, C>G. VCF-style: chr19-50415741-C-G. GRCh37 (hg19) VCF-style: chr19-50918998-C-G.
Other names: c.2735C>G, p.Pro912Arg (NM_001256849.1, NM_001438212.1, NM_001438213.1); c.2813C>G, p.Pro938Arg (NM_001308632.1); c.2663C>G, p.Pro888Arg (NM_001438210.1, NM_001438211.1); short protein forms P888R, P912R, P938R.
Identifiers: ClinVar variation 4742284 (VCV004742284.1).
Genomic context (GRCh38, chr19:50,415,741, plus strand): 5'-CACCCACCTGCCCTCACCCACCCGCCACCCCATCTCCACGCAGGATGAGGAAGCGGGACC[C>G]CGGGAGTGCGCCCAGCCTGGGCGACCGCGTCCCCTACGTGATCATCAGTGCCGCCAAGGG-3'
Protein context (NP_002682.2, residues 902-922): ELAERMRKRD[Pro912Arg]GSAPSLGDRV